The following is an entry in ClinVar:

ClinVar aggregate classification (germline): Conflicting classifications of pathogenicity. Review status: criteria provided, conflicting classifications (1 of 4 stars). 10 submissions from 10 submitters: Uncertain significance (7); Benign (1); Likely benign (1). 1 of the submissions does not count toward it. Last evaluated 2025-10-01.

Conditions:
Familial cancer of breast. Also called: BREAST CANCER, FAMILIAL; Hereditary breast cancer; hereditary breast carcinoma. Identifiers: Orphanet 227535, MedGen C0346153, MONDO:0016419, OMIM 114480. Disease mechanism: loss of function.
Hereditary cancer-predisposing syndrome. Also called: Neoplastic Syndromes, Hereditary; Tumor predisposition; Hereditary neoplastic syndrome; Hereditary Cancer Syndrome. Identifiers: Orphanet 140162, MedGen C0027672, MeSH D009386, MONDO:0015356.
Fanconi anemia complementation group N. Also called: PALB2-Related Fanconi Anemia. Identifiers: Orphanet 84, MedGen C1835817, MONDO:0012565, OMIM 610832. Disease mechanism: loss of function.
Pancreatic cancer, susceptibility to, 3. Identifiers: Orphanet 1333, MedGen C3150547, MONDO:0013236, OMIM 613348.
Malignant tumor of breast. Also called: Cancer breast; Malignant breast neoplasm. Identifiers: MedGen C0006142, MONDO:0007254. Disease mechanism: loss of function.

Allele frequency attached by ClinVar (database versions not stated): ExAC 0.00001; gnomAD 0.00001; TOPMed 0.00001; gnomAD exomes 0.00002.
gnomAD v4.1: 13 of 1,614,096 alleles (0.00081%); highest among the groups gnomAD compares: East Asian, 0.016%; no homozygotes.

Submissions (10):

Labcorp Genetics (formerly Invitae), Labcorp
Classification: Uncertain significance for Familial cancer of breast. Last evaluated: 2025-10-01. Review status: criteria provided, single submitter. Criteria: Invitae Variant Classification Sherloc (09022015). Collection method: clinical testing. Allele origin: germline.
Comment: This sequence change replaces proline, which is neutral and non-polar, with leucine, which is neutral and non-polar, at codon 812 of the PALB2 protein (p.Pro812Leu). This variant is present in population databases (rs774502617, gnomAD 0.03%). This missense change has been observed in individual(s) with PALB2-related conditions (PMID: 26689913, 30651582). ClinVar contains an entry for this variant (Variation ID: 246424). Invitae Evidence Modeling of protein sequence and biophysical properties (such as structural, functional, and spatial information, amino acid conservation, physicochemical variation, residue mobility, and thermodynamic stability) indicates that this missense variant is not expected to disrupt PALB2 protein function with a negative predictive value of 80%. In summary, the available evidence is currently insufficient to determine the role of this variant in disease. Therefore, it has been classified as a Variant of Uncertain Significance.

Quest Diagnostics Nichols Institute San Juan Capistrano
Classification: Uncertain significance. Last evaluated: 2025-06-02. Review status: criteria provided, single submitter. Criteria: Quest Diagnostics criteria. Collection method: clinical testing. Allele origin: unknown.
Comment: The PALB2 c.2435C>T (p.Pro812Leu) variant has been reported in the published literature in individuals with ovarian cancer (PMID: 30651 (2019), 30455982 (2018), 26689913 (2015)) and breast cancer (PMID: 33471991 (2021), see also LOVD). This variant has also been identified in reportedly unaffected individuals (PMID: 33471991 (2021), see also LOVD). The frequency of this variant in the general population (Genome Aggregation Database) is uninformative in the assessment of its pathogenicity. Analysis of this variant using bioinformatics tools for the prediction of the effect of amino acid changes on protein structure and function yielded predictions that this variant is benign. Based on the available information, we are unable to determine the clinical significance of this variant.

Center for Genomic Medicine, Rigshospitalet, Copenhagen University Hospital
Classification: Likely benign. Last evaluated: 2025-03-04. Review status: criteria provided, single submitter. Criteria: ACMG Guidelines, 2015. Collection method: clinical testing. Allele origin: germline.

GeneDx
Classification: Uncertain significance. Last evaluated: 2024-06-05. Review status: criteria provided, single submitter. Criteria: GeneDx Variant Classification Process June 2021. Collection method: clinical testing. Allele origin: germline. Affected: yes.
Comment: In silico analysis supports that this missense variant has a deleterious effect on protein structure/function; This variant is associated with the following publications: (PMID: 30651582, 26689913, 30455982, 24485656, 33471991)

Ambry Genetics
Classification: Benign for Hereditary cancer-predisposing syndrome. Last evaluated: 2024-01-30. Review status: criteria provided, single submitter. Criteria: Ambry Variant Classification Scheme 2023. Collection method: clinical testing. Allele origin: germline.

Baylor Genetics
Classification: Uncertain significance for Familial cancer of breast. Last evaluated: 2024-01-18. Review status: criteria provided, single submitter. Criteria: ACMG Guidelines, 2015. Collection method: clinical testing. Allele origin: unknown.

Women's Health and Genetics/Laboratory Corporation of America, LabCorp
Classification: Uncertain significance. Last evaluated: 2023-08-14. Review status: criteria provided, single submitter. Criteria: LabCorp Variant Classification Summary - May 2015. Collection method: clinical testing. Allele origin: germline.
Comment: Variant summary: PALB2 c.2435C>T (p.Pro812Leu) results in a non-conservative amino acid change in the encoded protein sequence. Four of five in-silico tools predict a benign effect of the variant on protein function. The variant allele was found at a frequency of 2.4e-05 in 251488 control chromosomes. The available data on variant occurrences in the general population are insufficient to allow any conclusion about variant significance. c.2435C>T has been reported in the literature in individuals affected with childhood tumors (e.g. Chan_2018) and ovarian cancer (e.g. Lu_2015, Krivokuca_2019). These reports do not provide unequivocal conclusions about association of the variant with Breast Cancer. To our knowledge, no experimental evidence demonstrating an impact on protein function has been reported. The following publications have been ascertained in the context of this evaluation (PMID: 30455982, 30651582, 26689913). Five submitters have cited clinical-significance assessments for this variant to ClinVar after 2014. All submitters classified the variant as uncertain significance. Based on the evidence outlined above, the variant was classified as uncertain significance.

Color Diagnostics, LLC DBA Color Health
Classification: Uncertain significance for Hereditary cancer-predisposing syndrome. Last evaluated: 2022-08-29. Review status: criteria provided, single submitter. Criteria: ACMG Guidelines, 2015. Collection method: clinical testing. Allele origin: germline.
Comment: This missense variant replaces proline with leucine at codon 812 of the PALB2 protein. Computational prediction suggests that this variant may not impact protein structure and function (internally defined REVEL score threshold <= 0.5, PMID: 27666373). To our knowledge, functional studies have not been reported for this variant. This variant has been detected in a breast cancer case-control meta-analysis in 6/60466 cases and 7/53461 unaffected individuals (PMID: 33471991; Leiden Open Variation Database DB-ID PALB2_010898) and in an individual affected with ovarian cancer (PMID: 30651582). This variant has been identified in 6/251488 chromosomes in the general population by the Genome Aggregation Database (gnomAD). The available evidence is insufficient to determine the role of this variant in disease conclusively. Therefore, this variant is classified as a Variant of Uncertain Significance.

Fulgent Genetics
Classification: Uncertain significance for Familial cancer of breast; Fanconi anemia complementation group N; Pancreatic cancer, susceptibility to, 3. Last evaluated: 2021-08-30. Review status: criteria provided, single submitter. Criteria: ACMG Guidelines, 2015. Collection method: clinical testing. Allele origin: unknown.

Department of Pathology and Laboratory Medicine, Sinai Health System
Classification: Uncertain significance for Malignant tumor of breast. Review status: no assertion criteria provided. Collection method: clinical testing. Allele origin: unknown. Affected: yes. Study: The Canadian Open Genetics Repository (COGR). Not counted in ClinVar's aggregate classification.
Comment: The variant was also identified in dbSNP (ID: rs774502617) as "With Uncertain significance allele", in ClinVar (classified as uncertain significance by GeneDx, Ambry Genetics, and Invitae). The variant was not identified in the LOVD 3.0 database. The variant was identified in control databases in 6 of 246272 chromosomes at a frequency of 0.000024 (Genome Aggregation Database Feb 27, 2017). The variant was observed in the following populations: European Non-Finnish in 1 of 111720 chromosomes (freq: 0.000009), East Asian in 5 of 17248 chromosomes (freq: 0.0003); it was not observed in the African, Other, Latino, Ashkenazi Jewish, European Finnish, and South Asian populations. The p.Pro812 residue is conserved in mammals but not in more distantly related organisms however four out of five computational analyses (PolyPhen-2, SIFT, AlignGVGD, BLOSUM, MutationTaster) do not suggest a high likelihood of impact to the protein; this information is not predictive enough to rule out pathogenicity. The variant occurs outside of the splicing consensus sequence and in silico or computational prediction software programs (SpliceSiteFinder, MaxEntScan, NNSPLICE, GeneSplicer) do not predict a difference in splicing. In summary, based on the above information the clinical significance of this variant cannot be determined with certainty at this time. This variant is classified as a variant of uncertain significance.

Literature cited by the submitters: PubMed 26689913 (cited by 3 submitters); PubMed 30651582 (cited by 5 submitters); PubMed 33471991 (cited by 3 submitters); PubMed 30455982 (cited by Quest Diagnostics Nichols Institute San Juan Capistrano and Women's Health and Genetics/Laboratory Corporation of America, LabCorp).

NM_024675.4(PALB2):c.2435C>T (p.Pro812Leu)

Gene: PALB2 (partner and localizer of BRCA2; minus strand). Cytogenetic location: 16p12.2.
Variant type: single nucleotide variant.
Coding change: c.2435C>T on transcript NM_024675.4 (MANE Select); coding-DNA position 2435, C replaced by T.
Protein change: p.Pro812Leu; replaces proline 812 with leucine.
Molecular consequence: missense variant.
Genome position (GRCh38, 1-based): chr16:23,629,719, G>A on the plus strand (C>T on the coding strand, the complement: PALB2 is on the minus strand). VCF-style: chr16-23629719-G-A. GRCh37 (hg19) VCF-style: chr16-23641040-G-A.
Other names: short protein forms P812L.
Identifiers: ClinVar variation 246424 (VCV000246424.32), dbSNP rs774502617, ClinGen allele CA7963575.